The following is an entry in ClinVar:

NM_015557.3(CHD5):c.5575A>G (p.Lys1859Glu)

Gene: CHD5 (chromodomain helicase DNA binding protein 5; minus strand). Cytogenetic location: 1p36.31.
Variant type: single nucleotide variant.
Coding change: c.5575A>G on transcript NM_015557.3 (MANE Select); coding-DNA position 5575, A replaced by G.
Protein change: p.Lys1859Glu; replaces lysine 1859 with glutamic acid.
Molecular consequence: missense variant.
Genome position (GRCh38, 1-based): chr1:6,109,798, T>C on the plus strand (A>G on the coding strand, the complement: CHD5 is on the minus strand). VCF-style: chr1-6109798-T-C. GRCh37 (hg19) VCF-style: chr1-6169858-T-C.
Other names: short protein forms K1859E.
Identifiers: ClinVar variation 3893348 (VCV003893348.1).

ClinVar aggregate classification (germline): Uncertain significance (1 of 4 stars; one submission).

Submission:

GeneDx
Classification: Uncertain significance. Last evaluated: 2024-10-24. Review status: criteria provided, single submitter. Criteria: GeneDx Variant Classification Process June 2021. Collection method: clinical testing. Allele origin: germline. Affected: yes.
Comment: Not observed at significant frequency in large population cohorts (gnomAD); In silico analysis supports that this missense variant has a deleterious effect on protein structure/function; Has not been previously published as pathogenic or benign to our knowledge